The following is an entry in ClinVar:

NM_015978.3(TNNI3K):c.828-1G>A

Genes: FPGT-TNNI3K (FPGT-TNNI3K readthrough; plus strand), TNNI3K (TNNI3 interacting kinase; plus strand). Cytogenetic location: 1p31.1.
Variant type: single nucleotide variant.
Coding change: c.828-1G>A on transcript NM_015978.3 (MANE Select); the canonical splice acceptor site of the intron before coding-DNA position 828, G replaced by A.
Molecular consequence: splice acceptor variant.
Genome position (GRCh38, 1-based): chr1:74,343,074, G>A. VCF-style: chr1-74343074-G-A. GRCh37 (hg19) VCF-style: chr1-74808758-G-A.
Other names: c.1131-1G>A (NM_001112808.3, NM_001199327.2).
Identifiers: ClinVar variation 4799300 (VCV004799300.1).

ClinVar aggregate classification (germline): Uncertain significance (1 of 4 stars; one submission).

gnomAD v4.1: 4 of 1,613,256 alleles (0.00025%); highest among the groups gnomAD compares: African/African-American, 0.0053%; no homozygotes.

Submission:

Labcorp Genetics (formerly Invitae), Labcorp
Classification: Uncertain significance. Last evaluated: 2025-07-30. Review status: criteria provided, single submitter. Criteria: Invitae Variant Classification Sherloc (09022015). Collection method: clinical testing. Allele origin: germline.
Comment: This sequence change affects an acceptor splice site in intron 8 of the TNNI3K gene. It is expected to disrupt RNA splicing. Variants that disrupt the donor or acceptor splice site typically lead to a loss of protein function (PMID: 16199547), however the current clinical and genetic evidence is not sufficient to establish whether loss-of-function variants in TNNI3K cause disease. This variant is present in population databases (rs531689157, gnomAD 0.01%). This variant has not been reported in the literature in individuals affected with TNNI3K-related conditions. Algorithms developed to predict the effect of sequence changes on RNA splicing suggest that this variant may disrupt the consensus splice site. In summary, the available evidence is currently insufficient to determine the role of this variant in disease. Therefore, it has been classified as a Variant of Uncertain Significance.

Literature cited by the submitters: PubMed 16199547.